The following is an entry in ClinVar:

NM_000057.4(BLM):c.471G>A (p.Met157Ile)

Gene: BLM (BLM RecQ like helicase; plus strand). Cytogenetic location: 15q26.1.
Variant type: single nucleotide variant.
Coding change: c.471G>A on transcript NM_000057.4 (MANE Select); coding-DNA position 471, G replaced by A.
Protein change: p.Met157Ile; replaces methionine 157 with isoleucine.
Molecular consequence: missense variant. On other transcripts: 5 prime UTR variant (1).
Genome position (GRCh38, 1-based): chr15:90,749,739, G>A. VCF-style: chr15-90749739-G-A. GRCh37 (hg19) VCF-style: chr15-91292969-G-A.
Other names: c.471G>A, p.Met157Ile (NM_001287246.2, NM_001287247.2); c.-821G>A (NM_001287248.2); short protein forms M157I.
Identifiers: ClinVar variation 1742652 (VCV001742652.2), dbSNP rs1489481588, ClinGen allele CA393840857.

ClinVar aggregate classification (germline): Uncertain significance (1 of 4 stars; one submission).

Conditions:
Hereditary cancer-predisposing syndrome. Also called: Hereditary Cancer Syndrome; Hereditary neoplastic syndrome; Neoplastic Syndromes, Hereditary; Tumor predisposition. Identifiers: Orphanet 140162, MedGen C0027672, MeSH D009386, MONDO:0015356.

Allele frequency attached by ClinVar (database versions not stated): gnomAD exomes below 0.00001.

Submission:

Ambry Genetics
Classification: Uncertain significance for Hereditary cancer-predisposing syndrome. Last evaluated: 2020-06-26. Review status: criteria provided, single submitter. Criteria: Ambry Variant Classification Scheme 2023. Collection method: clinical testing. Allele origin: germline.
Comment: The p.M157I variant (also known as c.471G>A), located in coding exon 2 of the BLM gene, results from a G to A substitution at nucleotide position 471. The methionine at codon 157 is replaced by isoleucine, an amino acid with highly similar properties. This amino acid position is well conserved in available vertebrate species. In addition, this alteration is predicted to be tolerated by in silico analysis. Since supporting evidence is limited at this time, the clinical significance of this alteration remains unclear.